The following is an entry in ClinVar:

NM_004380.3(CREBBP):c.5973G>A (p.Pro1991=)

Gene: CREBBP (CREB binding lysine acetyltransferase; minus strand). Cytogenetic location: 16p13.3.
Variant type: single nucleotide variant.
Coding change: c.5973G>A on transcript NM_004380.3 (MANE Select); coding-DNA position 5973, G replaced by A.
Protein change: p.Pro1991=; no amino-acid change (proline 1991 retained).
Molecular consequence: synonymous variant.
Genome position (GRCh38, 1-based): chr16:3,729,074, C>T on the plus strand (G>A on the coding strand, the complement: CREBBP is on the minus strand). VCF-style: chr16-3729074-C-T. GRCh37 (hg19) VCF-style: chr16-3779075-C-T.
Other names: c.5859G>A, p.Pro1953= (NM_001079846.1).
Identifiers: ClinVar variation 587937 (VCV000587937.13), dbSNP rs539366777, ClinGen allele CA7869206.
Genomic context (GRCh38, chr16:3,729,074, plus strand): 5'-GGGCCCGCTCACCTGGTTGGGTCGGGGCACATTCAGGCTCACGGGGGCCATCTGGCTCCC[C>T]GGGGTCCCCATGCCCGTGCGTCCTGGGGGCATGCTGTTGTTGATGTTCACCCGGTACAGG-3'
Protein context (NP_004371.2, residues 1981-2001): MPPGRTGMGT[Pro1991=]GSQMAPVSLN

ClinVar aggregate classification (germline): Benign/Likely benign. Review status: criteria provided, multiple submitters, no conflicts (2 of 4 stars). 4 submissions from 4 submitters: Benign (1); Likely benign (2). 1 of the submissions does not count toward it. Last evaluated 2026-01-19.

Conditions:
Rubinstein-Taybi syndrome (RSTS). Identifiers: Orphanet 783, MedGen C0035934, MONDO:0019188.
Inborn genetic diseases. Identifiers: MedGen C0950123, MeSH D030342.
CREBBP-related disorder. Also called: CREBBP-related disorders; CREBBP-related condition.

Allele frequency attached by ClinVar (database versions not stated): TOPMed 0.00003; ExAC 0.00006; gnomAD 0.00006; gnomAD exomes 0.00007; 1000 Genomes Project 0.00040; 1000 Genomes Project 30x 0.00062.
gnomAD v4.1: 112 of 1,584,144 alleles (0.0071%); highest among the groups gnomAD compares: Middle Eastern, 0.017%; no homozygotes.

Submissions (4):

Labcorp Genetics (formerly Invitae), Labcorp
Classification: Benign for Rubinstein-Taybi syndrome. Last evaluated: 2026-01-19. Review status: criteria provided, single submitter. Criteria: Invitae Variant Classification Sherloc (09022015). Collection method: clinical testing. Allele origin: germline.

Blueprint Genetics
Classification: Likely benign. Last evaluated: 2023-04-25. Review status: criteria provided, single submitter. Criteria: ACMG Guidelines, 2015. Collection method: clinical testing. Allele origin: germline.

Ambry Genetics
Classification: Likely benign for Inborn genetic diseases. Last evaluated: 2016-06-14. Review status: criteria provided, single submitter. Criteria: Ambry Variant Classification Scheme 2023. Collection method: clinical testing. Allele origin: germline.

PreventionGenetics, part of Exact Sciences
Classification: Likely benign for CREBBP-related condition. Last evaluated: 2022-10-05. Review status: no assertion criteria provided. Collection method: clinical testing. Allele origin: germline. Not counted in ClinVar's aggregate classification.
Comment: This variant is classified as likely benign based on ACMG/AMP sequence variant interpretation guidelines (Richards et al. 2015 PMID: 25741868, with internal and published modifications).